The following is an entry in ClinVar:

NM_000260.4(MYO7A):c.4804C>T (p.Arg1602Trp)

Gene: MYO7A (myosin VIIA; plus strand). Cytogenetic location: 11q13.5.
Variant type: single nucleotide variant.
Coding change: c.4804C>T on transcript NM_000260.4 (MANE Select); coding-DNA position 4804, C replaced by T.
Protein change: p.Arg1602Trp; replaces arginine 1602 with tryptophan.
Molecular consequence: missense variant.
Genome position (GRCh38, 1-based): chr11:77,199,770, C>T. VCF-style: chr11-77199770-C-T. GRCh37 (hg19) VCF-style: chr11-76910815-C-T.
Other names: c.4690C>T, p.Arg1564Trp (NM_001127180.2); c.4657C>T, p.Arg1553Trp (NM_001369365.1); short protein forms R1564W, R1553W, R1602W.
Identifiers: ClinVar variation 969875 (VCV000969875.14), dbSNP rs373048784, ClinGen allele CA6198545.

ClinVar aggregate classification (germline): Conflicting classifications of pathogenicity. Review status: criteria provided, conflicting classifications (1 of 4 stars). 6 submissions from 6 submitters: Uncertain significance (4); Likely benign (1). 1 of the submissions does not count toward it. Last evaluated 2026-02-27.

Conditions:
Inborn genetic diseases. Identifiers: MedGen C0950123, MeSH D030342.
MYO7A-related disorder. Also called: MYO7A-related disorders.
Usher syndrome type 1B (USH1B). Also called: Usher syndrome type IB. Identifiers: MedGen C1848638, MONDO:0700087.

Allele frequency attached by ClinVar (database versions not stated): gnomAD exomes 0.00004 and 0.00009; gnomAD 0.00005; TOPMed 0.00007; ESP Exome Variant Server 0.00008; ExAC 0.00010.
gnomAD v4.1: 72 of 1,611,576 alleles (0.0045%); highest among the groups gnomAD compares: South Asian, 0.012%; no homozygotes.

Submissions (6):

PreventionGenetics, part of Exact Sciences
Classification: Uncertain significance for MYO7A-related condition. Last evaluated: 2026-02-27. Review status: criteria provided, single submitter. Criteria: ACMG Guidelines, 2015. Collection method: clinical testing. Allele origin: germline.
Comment: The MYO7A c.4804C>T variant is predicted to result in the amino acid substitution p.Arg1602Trp. This variant was reported in a hearing loss cohort, however information about presence or absence of second variant was not provided (Table S2, Usami et al. 2022. PubMed ID: 34599366). This variant is reported in 0.017% of alleles in individuals of African descent in gnomAD. At this time, the clinical significance of this variant is uncertain due to the absence of conclusive functional and genetic evidence.

Labcorp Genetics (formerly Invitae), Labcorp
Classification: Likely benign. Last evaluated: 2025-10-15. Review status: criteria provided, single submitter. Criteria: Invitae Variant Classification Sherloc (09022015). Collection method: clinical testing. Allele origin: germline.

GeneDx
Classification: Uncertain significance. Last evaluated: 2025-07-29. Review status: criteria provided, single submitter. Criteria: GeneDx Variant Classification Process June 2021. Collection method: clinical testing. Allele origin: germline. Affected: yes.
Comment: Identified in a patient with hearing loss in published literature (PMID: 34599366) but additional evidence is not available; In silico analysis supports that this missense variant has a deleterious effect on protein structure/function; This variant is associated with the following publications: (PMID: 34599366)

Ambry Genetics
Classification: Uncertain significance for Inborn genetic diseases. Last evaluated: 2024-12-02. Review status: criteria provided, single submitter. Criteria: Ambry Variant Classification Scheme 2023. Collection method: clinical testing. Allele origin: germline.

Blueprint Genetics
Classification: Uncertain significance. Last evaluated: 2024-11-08. Review status: criteria provided, single submitter. Criteria: ACMG Guidelines, 2015. Collection method: clinical testing. Allele origin: germline.

Natera, Inc.
Classification: Uncertain significance for Usher syndrome type 1B. Last evaluated: 2020-04-17. Review status: no assertion criteria provided. Collection method: clinical testing. Allele origin: germline. Not counted in ClinVar's aggregate classification.